The following is an entry in ClinVar:

ClinVar aggregate classification (germline): Uncertain significance (1 of 4 stars; one submission).

Conditions:
Partial hypoxanthine-guanine phosphoribosyltransferase deficiency. Also called: HPRT DEFICIENCY, PARTIAL; HYPOXANTHINE GUANINE PHOSPHORIBOSYLTRANSFERASE 1 DEFICIENCY, PARTIAL; GOUT, HPRT-RELATED; Kelley-Seegmiller Syndrome; HPRT1 DEFICIENCY, PARTIAL. Identifiers: Orphanet 79233, MedGen C0268117, MONDO:0010299, OMIM 300323.
Lesch-Nyhan syndrome (LNS). Also called: HPRT DEFICIENCY, COMPLETE; Lesch-Nyhan Disease (LND). Identifiers: Orphanet 510, MedGen C0023374, MONDO:0010298, OMIM 300322.

Submission:

Labcorp Genetics (formerly Invitae), Labcorp
Classification: Uncertain significance for Lesch-Nyhan syndrome; Partial hypoxanthine-guanine phosphoribosyltransferase deficiency. Last evaluated: 2023-08-01. Review status: criteria provided, single submitter. Criteria: Invitae Variant Classification Sherloc (09022015). Collection method: clinical testing. Allele origin: germline.
Comment: This variant disrupts the p.Gly190 amino acid residue in HPRT1. Other variant(s) that disrupt this residue have been observed in individuals with HPRT1-related conditions (PMID: 11018746), which suggests that this may be a clinically significant amino acid residue. An algorithm developed to predict the effect of missense changes on protein structure and function (PolyPhen-2) suggests that this variant is likely to be disruptive. This missense change has been observed in individual(s) with Lesch-Nyhan syndrome (PMID: 11068166, 19016344). This variant is not present in population databases (gnomAD no frequency). This sequence change replaces glycine, which is neutral and non-polar, with glutamic acid, which is acidic and polar, at codon 190 of the HPRT1 protein (p.Gly190Glu). In summary, the available evidence is currently insufficient to determine the role of this variant in disease. Therefore, it has been classified as a Variant of Uncertain Significance.

Literature cited by the submitters: PubMed 11018746; PubMed 11068166; PubMed 19016344.

NM_000194.3(HPRT1):c.569G>A (p.Gly190Glu)

Gene: HPRT1 (hypoxanthine phosphoribosyltransferase 1; plus strand). Cytogenetic location: Xq26.2.
Variant type: single nucleotide variant.
Coding change: c.569G>A on transcript NM_000194.3 (MANE Select); coding-DNA position 569, G replaced by A.
Protein change: p.Gly190Glu; replaces glycine 190 with glutamic acid.
Molecular consequence: missense variant.
Genome position (GRCh38, 1-based): chrX:134,498,644, G>A. VCF-style: chrX-134498644-G-A. GRCh37 (hg19) VCF-style: chrX-133632674-G-A.
Other names: short protein forms G190E.
Identifiers: ClinVar variation 2925688 (VCV002925688.3), dbSNP rs2520840510, ClinGen allele CA414715864.